The following is an entry in ClinVar:

NM_000260.4(MYO7A):c.2538del (p.Ala845_Tyr846insTer)

Gene: MYO7A (myosin VIIA; plus strand). Cytogenetic location: 11q13.5.
Variant type: Deletion.
Coding change: c.2538del on transcript NM_000260.4 (MANE Select); coding-DNA position 2538, one base deleted (T; older notation c.2538delT).
Protein change: p.Ala845_Tyr846insTer.
Molecular consequence: nonsense.
Genome position (GRCh38, 1-based): chr11:77,179,905, T deleted. VCF-style (leftmost placement, unchanged base first): chr11-77179904-AT-A. GRCh37 (hg19) VCF-style: chr11-76890950-AT-A.
Other names: c.2538del, p.Ala845_Tyr846insTer (NM_001127180.2); c.2505del, p.Ala834_Tyr835insTer (NM_001369365.1).
Identifiers: ClinVar variation 5004668 (VCV005004668.1).

ClinVar aggregate classification (germline): Pathogenic (1 of 4 stars; one submission).

Conditions:
Usher syndrome type 1 (USH1). Also called: RETINITIS PIGMENTOSA AND CONGENITAL DEAFNESS. Identifiers: Orphanet 231169, Orphanet 886, MedGen C1568247, MONDO:0010168, OMIM 276900.

Submission:

Myriad Genetics, Inc.
Classification: Pathogenic for Usher syndrome type 1. Last evaluated: 2026-05-11. Review status: criteria provided, single submitter. Criteria: Myriad Autosomal Dominant, Autosomal Recessive and X-Linked Classification Criteria (2023). Collection method: clinical testing. Allele origin: unknown.
Comment: NM_000260.3(MYO7A):c.2538delT(Y846*) is a nonsense variant classified as pathogenic in the context of MYO7A-related disorders. Y846* has not been observed in cases with relevant disease. Relevant functional assessments of this variant are not available in the literature. Y846* has not been observed in referenced population frequency databases. In summary, NM_000260.3(MYO7A):c.2538delT(Y846*) is a nonsense variant in a gene where loss of function is a known mechanism of disease and is predicted to disrupt protein function. Please note: this variant was assessed in the context of healthy population screening.